The following is an entry in ClinVar:

ClinVar aggregate classification (germline): Uncertain significance. Review status: criteria provided, multiple submitters, no conflicts (2 of 4 stars). 3 submissions from 3 submitters: Uncertain significance (2). 1 of the submissions does not count toward it. Last evaluated 2022-09-07.

Conditions:
Autosomal recessive limb-girdle muscular dystrophy type 2O. Also called: MUSCULAR DYSTROPHY-DYSTROGLYCANOPATHY (LIMB-GIRDLE), TYPE C, 3; MUSCULAR DYSTROPHY-DYSTROGLYCANOPATHY, LIMB-GIRDLE, POMGNT1-RELATED; Limb-Girdle Muscular Dystrophy Type 3C. Identifiers: Orphanet 206564, MedGen C3150417, MONDO:0013161, OMIM 613157.
Muscular dystrophy-dystroglycanopathy (congenital with impaired intellectual development), type B, 3. Also called: Muscular dystrophy-dystroglycanopathy (congenital with intellectual disability), type B3; MUSCULAR DYSTROPHY, CONGENITAL, POMGNT1-RELATED. Identifiers: MedGen C3150412, MONDO:0013155, OMIM 613151.
Muscle eye brain disease (MEB). Also called: Santavuori congenital muscular dystrophy. Identifiers: Orphanet 588, Orphanet 899, MedGen C0457133, MONDO:0018939.

Allele frequency attached by ClinVar (database versions not stated): ExAC 0.00001; TOPMed 0.00001; gnomAD exomes below 0.00001.
gnomAD v4.1: 10 of 1,613,564 alleles (0.00062%); highest among the groups gnomAD compares: East Asian, 0.0022%; no homozygotes.

Submissions (3):

Labcorp Genetics (formerly Invitae), Labcorp
Classification: Uncertain significance for Autosomal recessive limb-girdle muscular dystrophy type 2O; Muscular dystrophy-dystroglycanopathy (congenital with impaired intellectual development), type B, 3. Last evaluated: 2022-09-07. Review status: criteria provided, single submitter. Criteria: Invitae Variant Classification Sherloc (09022015). Collection method: clinical testing. Allele origin: germline.
Comment: This sequence change replaces arginine, which is basic and polar, with tryptophan, which is neutral and slightly polar, at codon 616 of the POMGNT1 protein (p.Arg616Trp). The frequency data for this variant in the population databases is considered unreliable, as metrics indicate poor data quality at this position in the gnomAD database. This variant has not been reported in the literature in individuals affected with POMGNT1-related conditions. ClinVar contains an entry for this variant (Variation ID: 933901). Advanced modeling of protein sequence and biophysical properties (such as structural, functional, and spatial information, amino acid conservation, physicochemical variation, residue mobility, and thermodynamic stability) performed at Invitae indicates that this missense variant is not expected to disrupt POMGNT1 protein function. In summary, the available evidence is currently insufficient to determine the role of this variant in disease. Therefore, it has been classified as a Variant of Uncertain Significance.

Blueprint Genetics
Classification: Uncertain significance. Last evaluated: 2022-02-17. Review status: criteria provided, single submitter. Criteria: ACMG Guidelines, 2015. Collection method: clinical testing. Allele origin: germline.

Natera, Inc.
Classification: Uncertain significance for Muscle-eye-brain disease. Last evaluated: 2020-03-20. Review status: no assertion criteria provided. Collection method: clinical testing. Allele origin: germline. Not counted in ClinVar's aggregate classification.

NM_017739.4(POMGNT1):c.1846C>T (p.Arg616Trp)

Genes: POMGNT1 (protein O-linked mannose N-acetylglucosaminyltransferase 1 (beta 1,2-); minus strand), TSPAN1 (tetraspanin 1; plus strand). Cytogenetic location: 1p34.1.
Variant type: single nucleotide variant.
Coding change: c.1846C>T on transcript NM_017739.4 (MANE Select); coding-DNA position 1846, C replaced by T.
Protein change: p.Arg616Trp; replaces arginine 616 with tryptophan.
Molecular consequence: missense variant.
Genome position (GRCh38, 1-based): chr1:46,189,507, G>A on the plus strand (C>T on the coding strand, the complement: POMGNT1 is on the minus strand). VCF-style: chr1-46189507-G-A. GRCh37 (hg19) VCF-style: chr1-46655179-G-A.
Other names: c.1846C>T, p.Arg616Trp (NM_001243766.2, NM_001410783.1); c.1780C>T, p.Arg594Trp (NM_001290129.3); c.1417C>T, p.Arg473Trp (NM_001290130.2); short protein forms R473W, R616W, R594W.
Identifiers: ClinVar variation 933901 (VCV000933901.6), dbSNP rs763071717, ClinGen allele CA833216.